The following is an entry in ClinVar:

ClinVar aggregate classification (germline): Uncertain significance (1 of 4 stars; one submission).

Conditions:
Hereditary cancer-predisposing syndrome. Also called: Hereditary Cancer Syndrome; Hereditary neoplastic syndrome; Neoplastic Syndromes, Hereditary; Tumor predisposition. Identifiers: Orphanet 140162, MedGen C0027672, MeSH D009386, MONDO:0015356.

Submission:

Labcorp Genetics (formerly Invitae), Labcorp
Classification: Uncertain significance for Hereditary cancer-predisposing syndrome. Last evaluated: 2024-04-08. Review status: criteria provided, single submitter. Criteria: Invitae Variant Classification Sherloc (09022015). Collection method: clinical testing. Allele origin: germline.
Comment: This sequence change replaces glutamine, which is neutral and polar, with arginine, which is basic and polar, at codon 226 of the RAD50 protein (p.Gln226Arg). This variant is not present in population databases (gnomAD no frequency). This variant has not been reported in the literature in individuals affected with RAD50-related conditions. ClinVar contains an entry for this variant (Variation ID: 408372). Advanced modeling of protein sequence and biophysical properties (such as structural, functional, and spatial information, amino acid conservation, physicochemical variation, residue mobility, and thermodynamic stability) performed at Invitae indicates that this missense variant is not expected to disrupt RAD50 protein function with a negative predictive value of 80%. In summary, the available evidence is currently insufficient to determine the role of this variant in disease. Therefore, it has been classified as a Variant of Uncertain Significance.

NM_005732.4(RAD50):c.677A>G (p.Gln226Arg)

Gene: RAD50 (RAD50 double strand break repair protein; plus strand). Cytogenetic location: 5q31.1.
Variant type: single nucleotide variant.
Coding change: c.677A>G on transcript NM_005732.4 (MANE Select); coding-DNA position 677, A replaced by G.
Protein change: p.Gln226Arg; replaces glutamine 226 with arginine.
Molecular consequence: missense variant.
Genome position (GRCh38, 1-based): chr5:132,579,987, A>G. VCF-style: chr5-132579987-A-G. GRCh37 (hg19) VCF-style: chr5-131915679-A-G.
Other names: short protein forms Q226R.
Identifiers: ClinVar variation 408372 (VCV000408372.9), dbSNP rs1060501953, ClinGen allele CA16611714.
Genomic context (GRCh38, chr5:132,579,987, plus strand): 5'-ATCAAATGGAACTAAAATATCTGAAGCAATATAAGGAAAAAGCTTGTGAGATTCGTGATC[A>G]GATTACAAGTAAGGAAGCCCAGTTAACATCTTCAAAGGAAATTGTCAAATCCTATGAGAA-3'
Protein context (NP_005723.2, residues 216-236): YKEKACEIRD[Gln226Arg]ITSKEAQLTS